The following is an entry in ClinVar:

NM_000112.4(SLC26A2):c.1882C>G (p.Leu628Val)

Gene: SLC26A2 (solute carrier family 26 member 2; plus strand). Cytogenetic location: 5q32.
Variant type: single nucleotide variant.
Coding change: c.1882C>G on transcript NM_000112.4 (MANE Select); coding-DNA position 1882, C replaced by G.
Protein change: p.Leu628Val; replaces leucine 628 with valine.
Molecular consequence: missense variant.
Genome position (GRCh38, 1-based): chr5:149,981,475, C>G. VCF-style: chr5-149981475-C-G. GRCh37 (hg19) VCF-style: chr5-149361038-C-G.
Other names: short protein forms L628V.
Identifiers: ClinVar variation 4685807 (VCV004685807.1).
Genomic context (GRCh38, chr5:149,981,475, plus strand): 5'-TTAATAAAGGTGGCTTGGAAGAAGGCAGCAAAGAGAAAGATCAAAGAAAAAGTAGTGACT[C>G]TTGGTGGAATCCAGGATGAAATGTCAGTGCAACTTTCCCATGATCCCTTGGAGCTGCATA-3'
Protein context (NP_000103.2, residues 618-638): KRKIKEKVVT[Leu628Val]GGIQDEMSVQ

ClinVar aggregate classification (germline): Uncertain significance (1 of 4 stars; one submission).

gnomAD v4.1: 2 of 1,614,138 alleles (0.00012%); highest among the groups gnomAD compares: Admixed American, 0.0033%; no homozygotes.

Submission:

ARUP Laboratories, Molecular Genetics and Genomics, ARUP Laboratories
Classification: Uncertain significance. Last evaluated: 2025-05-08. Review status: criteria provided, single submitter. Criteria: ARUP Molecular Germline Variant Investigation Process 2024. Collection method: clinical testing. Allele origin: germline.
Comment: The SLC26A2 c.1882C>G; p.Leu628Val variant (rs769511611), to our knowledge, is not reported in the medical literature or gene specific databases. This variant is only observed on one allele in the Genome Aggregation Database (v2.1.1), indicating it is not a common polymorphism. Computational analyses are uncertain whether this variant is neutral or deleterious (REVEL: 0.198). Due to limited information, the clinical significance of this variant is uncertain at this time.